The following is an entry in ClinVar:

ClinVar aggregate classification (germline): Uncertain significance. Review status: criteria provided, single submitter (1 of 4 stars). 2 submissions from 2 submitters: Uncertain significance (1). 1 of the submissions does not count toward it. Last evaluated 2018-01-12.

Conditions:
F13B-related disorder. Also called: F13B-related condition.
Factor XIII, b subunit, deficiency of. Also called: Factor XIII subunit B deficiency. Identifiers: Orphanet 331, MedGen C2750481, MONDO:0013190, OMIM 613235, HP:0040234.

Allele frequency attached by ClinVar (database versions not stated): ExAC 0.00005; gnomAD exomes 0.00005 and 0.00009; TOPMed 0.00006; ESP Exome Variant Server 0.00008; gnomAD 0.00008 and 0.00009.

Submissions (2):

Illumina Laboratory Services, Illumina
Classification: Uncertain significance for Factor XIII, b subunit, deficiency of. Last evaluated: 2018-01-12. Review status: criteria provided, single submitter. Criteria: ICSL Variant Classification Criteria 13 December 2019. Collection method: clinical testing. Allele origin: germline.

PreventionGenetics, part of Exact Sciences
Classification: Likely benign for F13B-related condition. Last evaluated: 2023-10-12. Review status: no assertion criteria provided. Collection method: clinical testing. Allele origin: germline. Not counted in ClinVar's aggregate classification.
Comment: This variant is classified as likely benign based on ACMG/AMP sequence variant interpretation guidelines (Richards et al. 2015 PMID: 25741868, with internal and published modifications).

NM_001994.3(F13B):c.1320A>G (p.Glu440=)

Gene: F13B (coagulation factor XIII B chain; minus strand). Cytogenetic location: 1q31.3.
Variant type: single nucleotide variant.
Coding change: c.1320A>G on transcript NM_001994.3 (MANE Select); coding-DNA position 1320, A replaced by G.
Protein change: p.Glu440=; no amino-acid change (glutamic acid 440 retained).
Molecular consequence: synonymous variant.
Genome position (GRCh38, 1-based): chr1:197,055,749, T>C on the plus strand (A>G on the coding strand, the complement: F13B is on the minus strand). VCF-style: chr1-197055749-T-C. GRCh37 (hg19) VCF-style: chr1-197024879-T-C.
Identifiers: ClinVar variation 294574 (VCV000294574.7), dbSNP rs147383994, ClinGen allele CA1308357.